The following is an entry in ClinVar:

NM_000553.6(WRN):c.2733-1_2733del

Gene: WRN (WRN RecQ like helicase; plus strand). Cytogenetic location: 8p12.
Variant type: Deletion.
Coding change: c.2733-1_2733del on transcript NM_000553.6 (MANE Select); the canonical splice acceptor site of the intron before coding-DNA position 2733 through coding-DNA position 2733, 2 bases deleted (GA; older notation c.2733-1_2733delGA).
Molecular consequence: splice acceptor variant.
Genome position (GRCh38, 1-based): chr8:31,124,907-31,124,908, GA deleted; deleting any 2 consecutive bases within chr8:31,124,906-31,124,908 gives the same sequence; the c. name uses the placement nearest the transcript's 3' end. VCF-style (leftmost placement, unchanged base first): chr8-31124905-TAG-T. GRCh37 (hg19) VCF-style: chr8-30982421-TAG-T.
Identifiers: ClinVar variation 2157501 (VCV002157501.4), dbSNP rs1801859348, ClinGen allele CA2497475093.
Genomic context (GRCh38, chr8:31,124,905, plus strand): 5'-AGGAATGAACTTAACATATACGTTTCTGTTCTTTTATTTAATTTAAAATTTTGTCTTGGG[TAG>T]AATCATCTTGTCTCATTTTGAGGACAAACAAGTACAAAAAGCCTCCTTGGGAATTATGGG-3'

ClinVar aggregate classification (germline): Likely pathogenic (1 of 4 stars; one submission).

Conditions:
Werner syndrome (WRN). Identifiers: Orphanet 902, MedGen C0043119, MONDO:0010196, OMIM 277700.

Submission:

Labcorp Genetics (formerly Invitae), Labcorp
Classification: Likely pathogenic for Werner syndrome. Last evaluated: 2023-03-31. Review status: criteria provided, single submitter. Criteria: Invitae Variant Classification Sherloc (09022015). Collection method: clinical testing. Allele origin: germline.
Comment: In summary, the currently available evidence indicates that the variant is pathogenic, but additional data are needed to prove that conclusively. Therefore, this variant has been classified as Likely Pathogenic. Studies have shown that this variant results in skipping of exon 23, but is expected to preserve the integrity of the reading-frame (Invitae). ClinVar contains an entry for this variant (Variation ID: 2157501). This variant has not been reported in the literature in individuals affected with WRN-related conditions. This variant is not present in population databases (gnomAD no frequency). This variant results in the deletion of part of exon 23 of the WRN gene. RNA analysis indicates that this variant induces altered splicing and likely results in a shortened protein product.